The following is an entry in ClinVar:

ClinVar aggregate classification (germline): Uncertain significance (1 of 4 stars; one submission).

Conditions:
Fibromatosis, gingival, 5. Also called: FIBROMATOSIS, GINGIVAL, HEREDITARY, 5. Identifiers: MedGen C4539942, MONDO:0033493, OMIM 617626.

Allele frequency attached by ClinVar (database versions not stated): gnomAD exomes below 0.00001.

Submission:

Baylor Genetics
Classification: Uncertain significance for Fibromatosis, gingival, 5. Last evaluated: 2018-10-30. Review status: criteria provided, single submitter. Criteria: ACMG Guidelines, 2015. Collection method: clinical testing. Allele origin: unknown. Affected: yes. Study: CSER-TexasKidsCanSeq.
Comment: This variant was determined to be of uncertain significance according to ACMG Guidelines, 2015 [PMID:25741868].

NM_005612.5(REST):c.238G>A (p.Gly80Arg)

Gene: REST (RE1 silencing transcription factor; plus strand). Cytogenetic location: 4q12.
Variant type: single nucleotide variant.
Coding change: c.238G>A on transcript NM_005612.5 (MANE Select); coding-DNA position 238, G replaced by A.
Protein change: p.Gly80Arg; replaces glycine 80 with arginine.
Molecular consequence: missense variant.
Genome position (GRCh38, 1-based): chr4:56,910,876, G>A. VCF-style: chr4-56910876-G-A. GRCh37 (hg19) VCF-style: chr4-57777042-G-A.
Other names: c.238G>A, p.Gly80Arg (NM_001193508.2, NM_001363453.3); short protein forms G80R.
Identifiers: ClinVar variation 998295 (VCV000998295.1), dbSNP rs1342633562, ClinGen allele CA357003184.